The following is an entry in ClinVar:

NM_000263.4(NAGLU):c.824A>G (p.Tyr275Cys)

Gene: NAGLU (N-acetyl-alpha-glucosaminidase; plus strand). Cytogenetic location: 17q21.2.
Variant type: single nucleotide variant.
Coding change: c.824A>G on transcript NM_000263.4 (MANE Select); coding-DNA position 824, A replaced by G.
Protein change: p.Tyr275Cys; replaces tyrosine 275 with cysteine.
Molecular consequence: missense variant.
Genome position (GRCh38, 1-based): chr17:42,541,009, A>G. VCF-style: chr17-42541009-A-G. GRCh37 (hg19) VCF-style: chr17-40693027-A-G.
Other names: short protein forms Y275C.
Identifiers: ClinVar variation 1482945 (VCV001482945.5), dbSNP rs1025860195, ClinGen allele CA399599915.
Genomic context (GRCh38, chr17:42,541,009, plus strand): 5'-GGGTGTTCCCTCAGGTCAATGTCACGAAGATGGGCAGTTGGGGCCACTTTAACTGTTCCT[A>G]CTCCTGCTCCTTCCTTCTGGCTCCGGAAGACCCCATATTCCCCATCATCGGGAGCCTCTT-3'
Protein context (NP_000254.2, residues 265-285): MGSWGHFNCS[Tyr275Cys]SCSFLLAPED

ClinVar aggregate classification (germline): Uncertain significance (1 of 4 stars; one submission).

Conditions:
Mucopolysaccharidosis, MPS-III-B (MPS3B). Also called: N-ACETYL-ALPHA-D-GLUCOSAMINIDASE DEFICIENCY; NAGLU DEFICIENCY; SANFILIPPO SYNDROME B; MPS III B; MPS IIIB (Sanfilippo Syndrome Type B); MUCOPOLYSACCHARIDOSIS, TYPE IIIB. Identifiers: Orphanet 79270, MedGen C0086648, MONDO:0009656, OMIM 252920.
Charcot-Marie-Tooth disease axonal type 2V. Also called: CHARCOT-MARIE-TOOTH NEUROPATHY, TYPE 2V; CHARCOT-MARIE-TOOTH DISEASE, AXONAL, AUTOSOMAL DOMINANT, TYPE 2V. Identifiers: Orphanet 447964, MedGen C5569050, MONDO:0014665, OMIM 616491.

gnomAD v4.1: 2 of 1,613,940 alleles (0.00012%); highest among the groups gnomAD compares: Non-Finnish European, 0.00017%; no homozygotes.

Submission:

Labcorp Genetics (formerly Invitae), Labcorp
Classification: Uncertain significance for Charcot-Marie-Tooth disease axonal type 2V; Mucopolysaccharidosis, MPS-III-B. Last evaluated: 2022-08-23. Review status: criteria provided, single submitter. Criteria: Invitae Variant Classification Sherloc (09022015). Collection method: clinical testing. Allele origin: germline.
Comment: This sequence change replaces tyrosine, which is neutral and polar, with cysteine, which is neutral and slightly polar, at codon 275 of the NAGLU protein (p.Tyr275Cys). This variant is not present in population databases (gnomAD no frequency). This variant has not been reported in the literature in individuals affected with NAGLU-related conditions. ClinVar contains an entry for this variant (Variation ID: 1482945). Advanced modeling of protein sequence and biophysical properties (such as structural, functional, and spatial information, amino acid conservation, physicochemical variation, residue mobility, and thermodynamic stability) performed at Invitae indicates that this missense variant is expected to disrupt NAGLU protein function. Algorithms developed to predict the effect of sequence changes on RNA splicing suggest that this variant may disrupt the consensus splice site. In summary, the available evidence is currently insufficient to determine the role of this variant in disease. Therefore, it has been classified as a Variant of Uncertain Significance.